The following is an entry in ClinVar:

ClinVar aggregate classification (germline): Conflicting classifications of pathogenicity. Review status: criteria provided, conflicting classifications (1 of 4 stars). 5 submissions from 5 submitters: Uncertain significance (4); Likely benign (1). Last evaluated 2024-11-04.

Conditions:
Neutral lipid storage myopathy (NLSDM). Also called: NEUTRAL LIPID STORAGE DISEASE WITHOUT ICHTHYOSIS. Identifiers: Orphanet 98908, MedGen C1853136, MONDO:0012545, OMIM 610717.

Allele frequency attached by ClinVar (database versions not stated): TOPMed 0.00037; gnomAD 0.00045 and 0.00047; ESP Exome Variant Server 0.00054; gnomAD exomes 0.00066 and 0.00067; ExAC 0.00067; 1000 Genomes Project 0.00100; 1000 Genomes Project 30x 0.00109.

Submissions (5):

Blueprint Genetics
Classification: Uncertain significance. Last evaluated: 2024-11-04. Review status: criteria provided, single submitter. Criteria: ACMG Guidelines, 2015. Collection method: clinical testing. Allele origin: germline.

Revvity Omics, Revvity
Classification: Uncertain significance for Neutral lipid storage myopathy. Last evaluated: 2024-06-26. Review status: criteria provided, single submitter. Criteria: ACMG Guidelines, 2015. Collection method: clinical testing. Allele origin: germline.

Labcorp Genetics (formerly Invitae), Labcorp
Classification: Uncertain significance for Neutral lipid storage myopathy. Last evaluated: 2022-08-31. Review status: criteria provided, single submitter. Criteria: Invitae Variant Classification Sherloc (09022015). Collection method: clinical testing. Allele origin: germline.
Comment: This sequence change replaces arginine, which is basic and polar, with glutamine, which is neutral and polar, at codon 79 of the PNPLA2 protein (p.Arg79Gln). This variant is present in population databases (rs139576982, gnomAD 0.1%), and has an allele count higher than expected for a pathogenic variant. This missense change has been observed in individual(s) with clinical features of PNPLA2-related conditions (PMID: 32041611). ClinVar contains an entry for this variant (Variation ID: 465789). Algorithms developed to predict the effect of missense changes on protein structure and function are either unavailable or do not agree on the potential impact of this missense change (SIFT: "Deleterious"; PolyPhen-2: "Probably Damaging"; Align-GVGD: "Class C0"). Experimental studies have shown that this missense change affects PNPLA2 function (PMID: 21170305). In summary, the available evidence is currently insufficient to determine the role of this variant in disease. Therefore, it has been classified as a Variant of Uncertain Significance.

Victorian Clinical Genetics Services, Murdoch Childrens Research Institute
Classification: Uncertain significance for Neutral lipid storage myopathy. Last evaluated: 2020-05-25. Review status: criteria provided, single submitter. Criteria: ACMG Guidelines, 2015. Collection method: clinical testing. Allele origin: germline. Inheritance: Autosomal recessive inheritance. Affected: yes.
Comment: A heterozygous missense variant was identified, NM_020376.3(PNPLA2):c.236G>A in exon 3 of 10 of the PNPLA2 gene. This substitution is predicted to create a minor amino acid change from arginine to glutamine at position 79 of the protein, NP_065109.1(PNPLA2):p.(Arg79Gln). The arginine at this position has high conservation (100 vertebrates, UCSC), and is located within the Patatin-like phospholipase domain. In silico software predicts this variant to be damaging (Polyphen, SIFT, CADD, Mutation Taster). The variant is present in the gnomAD population database at a frequency of 0.07% (189 heterozygotes, 0 homozygotes). In addition, functional studies show that this variant causes impaired catalytic activity (Coassin, S. et al. (2010)). This variant has not been previously reported in clinical cases. Based on information available at the time of curation, this variant has been classified as a VARIANT of UNCERTAIN SIGNIFICANCE (VUS) with POTENTIAL CLINICAL RELEVANCE. Legend: (P) - Pathogenic, (N) - Neutral, (B) - Benign

Illumina Laboratory Services, Illumina
Classification: Likely benign for Neutral lipid storage myopathy. Last evaluated: 2017-04-27. Review status: criteria provided, single submitter. Criteria: ICSL Variant Classification Criteria 13 December 2019. Collection method: clinical testing. Allele origin: germline.
Comment: This variant was observed as part of a predisposition screen in an ostensibly healthy population. A literature search was performed for the gene, cDNA change, and amino acid change (where applicable). Publications were found based on this search. The evidence from the literature, in combination with allele frequency data from public databases where available, was sufficient to determine this variant is unlikely to cause disease. Therefore, this variant is classified as likely benign.

Literature cited by the submitters: PubMed 32041611 (cited by Labcorp Genetics (formerly Invitae), Labcorp); PubMed 21170305 (cited by 3 submitters).

NM_020376.4(PNPLA2):c.236G>A (p.Arg79Gln)

Gene: PNPLA2 (patatin like domain 2, triacylglycerol lipase; plus strand). Cytogenetic location: 11p15.5.
Variant type: single nucleotide variant.
Coding change: c.236G>A on transcript NM_020376.4 (MANE Select); coding-DNA position 236, G replaced by A.
Protein change: p.Arg79Gln; replaces arginine 79 with glutamine.
Molecular consequence: missense variant.
Genome position (GRCh38, 1-based): chr11:821,676, G>A. VCF-style: chr11-821676-G-A. GRCh37 (hg19) VCF-style: chr11-821676-G-A.
Other names: short protein forms R79Q.
Identifiers: ClinVar variation 465789 (VCV000465789.16), dbSNP rs139576982, ClinGen allele CA5790927.